The following is an entry in ClinVar:

NM_022356.4(P3H1):c.1412G>T (p.Arg471Leu)

Gene: P3H1 (prolyl 3-hydroxylase 1; minus strand). Cytogenetic location: 1p34.2.
Variant type: single nucleotide variant.
Coding change: c.1412G>T on transcript NM_022356.4 (MANE Select); coding-DNA position 1412, G replaced by T.
Protein change: p.Arg471Leu; replaces arginine 471 with leucine.
Molecular consequence: missense variant.
Genome position (GRCh38, 1-based): chr1:42,752,598, C>A on the plus strand (G>T on the coding strand, the complement: P3H1 is on the minus strand). VCF-style: chr1-42752598-C-A. GRCh37 (hg19) VCF-style: chr1-43218269-C-A.
Other names: c.1412G>T, p.Arg471Leu (NM_001146289.2, NM_001243246.2); short protein forms R471L.
Identifiers: ClinVar variation 468967 (VCV000468967.6), dbSNP rs377645905, ClinGen allele CA801856.
Genomic context (GRCh38, chr1:42,752,598, plus strand): 5'-TTGGTCAGTCTCTGCAGCTCCTGACACTCGTGGTCAGAGATTACGCCGTCCATCACCACC[C>A]GCTGGGAACCATTCAGGAGTTTGGAGTTCATGGTGAGACTGATGCCTTCATACAGCAGGG-3'
Protein context (NP_071751.3, residues 461-481): MNSKLLNGSQ[Arg471Leu]VVMDGVISDH

ClinVar aggregate classification (germline): Uncertain significance (1 of 4 stars; one submission).

Conditions:
Osteogenesis imperfecta type 8 (OI8). Identifiers: MedGen C1970458, MONDO:0012581, OMIM 610915.

Allele frequency attached by ClinVar (database versions not stated): gnomAD 0.00003; TOPMed 0.00005.
gnomAD v4.1: 75 of 1,614,072 alleles (0.0046%); highest among the groups gnomAD compares: Admixed American, 0.0067%; no homozygotes.

Submission:

Labcorp Genetics (formerly Invitae), Labcorp
Classification: Uncertain significance for Osteogenesis imperfecta type 8. Last evaluated: 2022-11-01. Review status: criteria provided, single submitter. Criteria: Invitae Variant Classification Sherloc (09022015). Collection method: clinical testing. Allele origin: germline.
Comment: This sequence change replaces arginine, which is basic and polar, with leucine, which is neutral and non-polar, at codon 471 of the P3H1 protein (p.Arg471Leu). This variant is present in population databases (rs377645905, gnomAD 0.01%). This variant has not been reported in the literature in individuals affected with P3H1-related conditions. ClinVar contains an entry for this variant (Variation ID: 468967). Advanced modeling of protein sequence and biophysical properties (such as structural, functional, and spatial information, amino acid conservation, physicochemical variation, residue mobility, and thermodynamic stability) performed at Invitae indicates that this missense variant is expected to disrupt P3H1 protein function. In summary, the available evidence is currently insufficient to determine the role of this variant in disease. Therefore, it has been classified as a Variant of Uncertain Significance.